The following is an entry in ClinVar:

ClinVar aggregate classification (germline): Pathogenic (1 of 4 stars; one submission).

Conditions:
Eichsfeld type congenital muscular dystrophy (CMYO3). Also called: Rigid spine muscular dystrophy 1; MYOPATHY, SEPN1-RELATED; SELENON-related myopathy; Congenital myopathy 3 with rigid spine. Identifiers: MedGen C0410180, MONDO:0100100, OMIM 602771.

Submission:

Labcorp Genetics (formerly Invitae), Labcorp
Classification: Pathogenic for Eichsfeld type congenital muscular dystrophy. Last evaluated: 2022-08-31. Review status: criteria provided, single submitter. Criteria: Invitae Variant Classification Sherloc (09022015). Collection method: clinical testing. Allele origin: germline.
Comment: This sequence change affects an acceptor splice site in intron 3 of the SELENON gene. It is expected to disrupt RNA splicing. Variants that disrupt the donor or acceptor splice site typically lead to a loss of protein function (PMID: 16199547), and loss-of-function variants in SELENON are known to be pathogenic (PMID: 21131290, 21670436). This variant is not present in population databases (gnomAD no frequency). Disruption of this splice site has been observed in individuals with clinical features of SELENON-related conditions (PMID: 33333461; Invitae). ClinVar contains an entry for this variant (Variation ID: 963511). Algorithms developed to predict the effect of sequence changes on RNA splicing suggest that this variant may disrupt the consensus splice site. For these reasons, this variant has been classified as Pathogenic.

Literature cited by the submitters: PubMed 16199547; PubMed 21131290; PubMed 21670436; PubMed 33333461.

NM_206926.2(SELENON):c.302-1G>A

Gene: SELENON (selenoprotein N; plus strand). Cytogenetic location: 1p36.11.
Variant type: single nucleotide variant.
Coding change: c.302-1G>A on transcript NM_206926.2 (MANE Select); the canonical splice acceptor site of the intron before coding-DNA position 302, G replaced by A.
Molecular consequence: splice acceptor variant.
Genome position (GRCh38, 1-based): chr1:25,805,141, G>A. VCF-style: chr1-25805141-G-A. GRCh37 (hg19) VCF-style: chr1-26131632-G-A.
Other names: c.404-1G>A (NM_020451.3).
Identifiers: ClinVar variation 963511 (VCV000963511.8), dbSNP rs1005071009, ClinGen allele CA339109752.
Genomic context (GRCh38, chr1:25,805,141, plus strand): 5'-TGAGGGAGAGGTGAGCCCTGTAGCATAAGGGCAGTGCCTCTCCGATGTCTGTGTCTCATA[G>A]GGTCAACTCCCGCGGCCAGCTGCGAGGAGGAGGAGTTGCCCCCTGACCCTAGCGAGGAGA-3'